The following is an entry in ClinVar:

ClinVar aggregate classification (germline): Benign/Likely benign. Review status: criteria provided, multiple submitters, no conflicts (2 of 4 stars). 2 submissions from 2 submitters: Benign (1); Likely benign (1). Last evaluated 2025-12-01.

Conditions:
Cataract 13 with adult I phenotype. Identifiers: Orphanet 91492, MedGen C3805373, MONDO:0007289, OMIM 116700.

Allele frequency attached by ClinVar (database versions not stated): 1000 Genomes Project 30x 0.00234; 1000 Genomes Project 0.00240; ESP Exome Variant Server 0.00369; TOPMed 0.00382; gnomAD 0.00414 and 0.00419.
gnomAD v4.1: 9,894 of 1,614,126 alleles (0.61%); highest among the groups gnomAD compares: Non-Finnish European, 0.76%; 39 homozygotes.

Submissions (2):

CeGaT Center for Human Genetics Tuebingen
Classification: Likely benign. Last evaluated: 2025-12-01. Review status: criteria provided, single submitter. Criteria: CeGaT Center For Human Genetics Tuebingen Variant Classification Criteria Version 2. Collection method: clinical testing. Allele origin: germline. Affected: yes. Observed: 5 variant alleles.
Comment: GCNT2: BS2

Labcorp Genetics (formerly Invitae), Labcorp
Classification: Benign for Cataract 13 with adult I phenotype. Last evaluated: 2024-11-18. Review status: criteria provided, single submitter. Criteria: Invitae Variant Classification Sherloc (09022015). Collection method: clinical testing. Allele origin: germline.

NM_145649.5(GCNT2):c.926-34857G>A

Gene: GCNT2 (glucosaminyl (N-acetyl) transferase 2 (I blood group); plus strand). Cytogenetic location: 6p24.3.
Variant type: single nucleotide variant.
Coding change: c.926-34857G>A on transcript NM_145649.5 (MANE Select); 34857 bases into the intron before coding-DNA position 926, G replaced by A.
Molecular consequence: intron variant. On other transcripts: missense variant (1).
Genome position (GRCh38, 1-based): chr6:10,586,494, G>A. VCF-style: chr6-10586494-G-A. GRCh37 (hg19) VCF-style: chr6-10586727-G-A.
Other names: c.505G>A, p.Ala169Thr (NM_145655.4); c.926-34857G>A (NM_001374747.1); c.919+29152G>A (NM_001491.3); short protein forms A169T.
Identifiers: ClinVar variation 701963 (VCV000701963.40), dbSNP rs56106312, ClinGen allele CA3632232.